The following is an entry in ClinVar:

NM_025074.7(FRAS1):c.1607A>G (p.His536Arg)

Gene: FRAS1 (Fraser extracellular matrix complex subunit 1; plus strand). Cytogenetic location: 4q21.21.
Variant type: single nucleotide variant.
Coding change: c.1607A>G on transcript NM_025074.7 (MANE Select); coding-DNA position 1607, A replaced by G.
Protein change: p.His536Arg; replaces histidine 536 with arginine.
Molecular consequence: missense variant.
Genome position (GRCh38, 1-based): chr4:78,308,138, A>G. VCF-style: chr4-78308138-A-G. GRCh37 (hg19) VCF-style: chr4-79229292-A-G.
Other names: c.1607A>G, p.His536Arg (NM_001166133.2); short protein forms H536R.
Identifiers: ClinVar variation 1336824 (VCV001336824.7), dbSNP rs193245098, ClinGen allele CA2976360.

ClinVar aggregate classification (germline): Uncertain significance. Review status: criteria provided, multiple submitters, no conflicts (2 of 4 stars). 4 submissions from 4 submitters: Uncertain significance (4). Last evaluated 2024-04-12.

Conditions:
Fraser syndrome 1 (FRASRS1). Also called: CRYPTOPHTHALMOS WITH OTHER MALFORMATIONS. Identifiers: Orphanet 2052, MedGen C4551480, MONDO:0054737, OMIM 219000.

Allele frequency attached by ClinVar (database versions not stated): gnomAD exomes 0.00005 and 0.00010; ExAC 0.00008; ESP Exome Variant Server 0.00023; gnomAD 0.00044 and 0.00048; TOPMed 0.00050; 1000 Genomes Project 0.00060; 1000 Genomes Project 30x 0.00062.
gnomAD v4.1: 150 of 1,613,862 alleles (0.0093%); highest among the groups gnomAD compares: African/African-American, 0.17%; no homozygotes.

Submissions (4):

Fulgent Genetics
Classification: Uncertain significance for Fraser syndrome 1. Last evaluated: 2024-04-12. Review status: criteria provided, single submitter. Criteria: ACMG Guidelines, 2015. Collection method: clinical testing. Allele origin: germline.

GeneDx
Classification: Uncertain significance. Last evaluated: 2024-03-05. Review status: criteria provided, single submitter. Criteria: GeneDx Variant Classification Process June 2021. Collection method: clinical testing. Allele origin: germline. Affected: yes.
Comment: In silico analysis supports that this missense variant does not alter protein structure/function; Has not been previously published as pathogenic or benign to our knowledge

Labcorp Genetics (formerly Invitae), Labcorp
Classification: Uncertain significance. Last evaluated: 2022-05-25. Review status: criteria provided, single submitter. Criteria: Invitae Variant Classification Sherloc (09022015). Collection method: clinical testing. Allele origin: germline.
Comment: This sequence change replaces histidine, which is basic and polar, with arginine, which is basic and polar, at codon 536 of the FRAS1 protein (p.His536Arg). This variant is present in population databases (rs193245098, gnomAD 0.1%). This variant has not been reported in the literature in individuals affected with FRAS1-related conditions. ClinVar contains an entry for this variant (Variation ID: 1336824). Algorithms developed to predict the effect of missense changes on protein structure and function output the following: SIFT: "Tolerated"; PolyPhen-2: "Benign"; Align-GVGD: "Class C0". The arginine amino acid residue is found in multiple mammalian species, which suggests that this missense change does not adversely affect protein function. In summary, the available evidence is currently insufficient to determine the role of this variant in disease. Therefore, it has been classified as a Variant of Uncertain Significance.

Genetic Services Laboratory, University of Chicago
Classification: Uncertain significance. Last evaluated: 2018-08-24. Review status: criteria provided, single submitter. Criteria: ACMG Guidelines, 2015. Collection method: clinical testing. Allele origin: germline. Affected: no.